The following is an entry in ClinVar:

NM_004360.5(CDH1):c.196A>G (p.Thr66Ala)

Gene: CDH1 (cadherin 1; plus strand). Cytogenetic location: 16q22.1.
Variant type: single nucleotide variant.
Coding change: c.196A>G on transcript NM_004360.5 (MANE Select); coding-DNA position 196, A replaced by G.
Protein change: p.Thr66Ala; replaces threonine 66 with alanine.
Molecular consequence: missense variant. On other transcripts: 5 prime UTR variant (2).
Genome position (GRCh38, 1-based): chr16:68,801,702, A>G. VCF-style: chr16-68801702-A-G. GRCh37 (hg19) VCF-style: chr16-68835605-A-G.
Other names: c.196A>G, p.Thr66Ala (NM_001317184.2); c.-1420A>G (NM_001317185.2); c.-1624A>G (NM_001317186.2); short protein forms T66A.
Identifiers: ClinVar variation 1356950 (VCV001356950.8), dbSNP rs2152126653, ClinGen allele CA396457142.

ClinVar aggregate classification (germline): Uncertain significance (1 of 4 stars; one submission).

Conditions:
Hereditary diffuse gastric adenocarcinoma (HDGC). Also called: DIFFUSE GASTRIC AND LOBULAR BREAST CANCER SYNDROME. Identifiers: Orphanet 26106, MedGen C1708349, MONDO:0007648, OMIM 137215.

Submission:

Labcorp Genetics (formerly Invitae), Labcorp
Classification: Uncertain significance for Hereditary diffuse gastric adenocarcinoma. Last evaluated: 2021-05-28. Review status: criteria provided, single submitter. Criteria: Invitae Variant Classification Sherloc (09022015). Collection method: clinical testing. Allele origin: germline.
Comment: In summary, the available evidence is currently insufficient to determine the role of this variant in disease. Therefore, it has been classified as a Variant of Uncertain Significance. Algorithms developed to predict the effect of missense changes on protein structure and function (SIFT, PolyPhen-2, Align-GVGD) all suggest that this variant is likely to be tolerated, but these predictions have not been confirmed by published functional studies and their clinical significance is uncertain. This variant has not been reported in the literature in individuals with CDH1-related conditions. This variant is not present in population databases (ExAC no frequency). This sequence change replaces threonine with alanine at codon 66 of the CDH1 protein (p.Thr66Ala). The threonine residue is moderately conserved and there is a small physicochemical difference between threonine and alanine.